The following is an entry in ClinVar:

NM_014314.4(RIGI):c.2482-113C>T

Gene: RIGI (RNA sensor RIG-I; minus strand). Cytogenetic location: 9p21.1.
Variant type: single nucleotide variant.
Coding change: c.2482-113C>T on transcript NM_014314.4 (MANE Select); 113 bases into the intron before coding-DNA position 2482, C replaced by T.
Molecular consequence: intron variant.
Genome position (GRCh38, 1-based): chr9:32,457,531, G>A on the plus strand (C>T on the coding strand, the complement: RIGI is on the minus strand). VCF-style: chr9-32457531-G-A. GRCh37 (hg19) VCF-style: chr9-32457529-G-A.
Other names: c.1873-113C>T (NM_001385912.1); c.2467-113C>T (NM_001385913.1); c.2476-113C>T (NM_001385907.1); c.2311-113C>T (NM_001385909.1); c.2038-113C>T (NM_001385914.1); c.2041-113C>T (NM_001385910.1).
Identifiers: ClinVar variation 2637888 (VCV002637888.2), dbSNP rs17289116, ClinGen allele CA15588459.

ClinVar aggregate classification (germline): Benign (1 of 4 stars; one submission).

gnomAD v4.1: 166,869 of 911,234 alleles (18%); highest among the groups gnomAD compares: South Asian, 29%; 17,409 homozygotes.

Submission:

Unidad de Genómica Garrahan, Hospital de Pediatría Garrahan
Classification: Benign. Last evaluated: 2023-11-14. Review status: criteria provided, single submitter. Criteria: ACMG Guidelines, 2015. Collection method: clinical testing. Allele origin: germline. Affected: no. Observed: 21 variant alleles.
Comment: This variant is classified as Benign based on local population frequency. This variant was detected in 22% of patients studied by a panel of primary immunodeficiencies. Number of patients: 21. Only high quality variants are reported.